The following is an entry in ClinVar:

ClinVar aggregate classification (germline): Uncertain significance (1 of 4 stars; one submission).

Allele frequency attached by ClinVar (database versions not stated): gnomAD exomes below 0.00001; gnomAD 0.00001.
gnomAD v4.1: 6 of 1,613,534 alleles (0.00037%); highest among the groups gnomAD compares: African/African-American, 0.0027%; no homozygotes.

Submission:

Labcorp Genetics (formerly Invitae), Labcorp
Classification: Uncertain significance. Last evaluated: 2022-07-25. Review status: criteria provided, single submitter. Criteria: Invitae Variant Classification Sherloc (09022015). Collection method: clinical testing. Allele origin: germline.
Comment: In summary, the available evidence is currently insufficient to determine the role of this variant in disease. Therefore, it has been classified as a Variant of Uncertain Significance. Algorithms developed to predict the effect of missense changes on protein structure and function (SIFT, PolyPhen-2, Align-GVGD) all suggest that this variant is likely to be disruptive. This variant has not been reported in the literature in individuals affected with P4HB-related conditions. This variant is present in population databases (no rsID available, gnomAD 0.004%). This sequence change replaces arginine, which is basic and polar, with cysteine, which is neutral and slightly polar, at codon 461 of the P4HB protein (p.Arg461Cys).

NM_000918.4(P4HB):c.1381C>T (p.Arg461Cys)

Gene: P4HB (prolyl 4-hydroxylase subunit beta; minus strand). Cytogenetic location: 17q25.3.
Variant type: single nucleotide variant.
Coding change: c.1381C>T on transcript NM_000918.4 (MANE Select); coding-DNA position 1381, C replaced by T.
Protein change: p.Arg461Cys; replaces arginine 461 with cysteine.
Molecular consequence: missense variant.
Genome position (GRCh38, 1-based): chr17:81,845,209, G>A on the plus strand (C>T on the coding strand, the complement: P4HB is on the minus strand). VCF-style: chr17-81845209-G-A. GRCh37 (hg19) VCF-style: chr17-79803085-G-A.
Other names: short protein forms R461C.
Identifiers: ClinVar variation 2419662 (VCV002419662.6), dbSNP rs1466684118, ClinGen allele CA401505503.